The following is an entry in ClinVar:

NM_001369268.1(ACAN):c.991C>A (p.His331Asn)

Gene: ACAN (aggrecan; plus strand). Cytogenetic location: 15q26.1.
Variant type: single nucleotide variant.
Coding change: c.991C>A on transcript NM_001369268.1 (MANE Select); coding-DNA position 991, C replaced by A.
Protein change: p.His331Asn; replaces histidine 331 with asparagine.
Molecular consequence: missense variant.
Genome position (GRCh38, 1-based): chr15:88,843,588, C>A. VCF-style: chr15-88843588-C-A. GRCh37 (hg19) VCF-style: chr15-89386819-C-A.
Other names: c.991C>A, p.His331Asn (NM_001135.4, NM_001411096.1, NM_001411097.1 and 1 more transcripts); c.991C>A (NM_013227.3); short protein forms H331N.
Identifiers: ClinVar variation 3006668 (VCV003006668.5), dbSNP rs753701070, ClinGen allele CA7719417.

ClinVar aggregate classification (germline): Uncertain significance. Review status: criteria provided, multiple submitters, no conflicts (2 of 4 stars). 3 submissions from 3 submitters: Uncertain significance (3). Last evaluated 2025-09-25.

Conditions:
Inborn genetic diseases. Identifiers: MedGen C0950123, MeSH D030342.

Allele frequency attached by ClinVar (database versions not stated): gnomAD 0.00002; ExAC 0.00003.
gnomAD v4.1: 8 of 1,605,638 alleles (0.0005%); highest among the groups gnomAD compares: Admixed American, 0.012%; no homozygotes.

Submissions (3):

Ambry Genetics
Classification: Uncertain significance for Inborn genetic diseases. Last evaluated: 2025-09-25. Review status: criteria provided, single submitter. Criteria: Ambry Variant Classification Scheme 2023. Collection method: clinical testing. Allele origin: germline.

Labcorp Genetics (formerly Invitae), Labcorp
Classification: Uncertain significance. Last evaluated: 2025-08-30. Review status: criteria provided, single submitter. Criteria: Invitae Variant Classification Sherloc (09022015). Collection method: clinical testing. Allele origin: germline.
Comment: This sequence change replaces histidine, which is basic and polar, with asparagine, which is neutral and polar, at codon 331 of the ACAN protein (p.His331Asn). This variant is present in population databases (rs753701070, gnomAD 0.02%). This variant has not been reported in the literature in individuals affected with ACAN-related conditions. ClinVar contains an entry for this variant (Variation ID: 3006668). Invitae Evidence Modeling of protein sequence and biophysical properties (such as structural, functional, and spatial information, amino acid conservation, physicochemical variation, residue mobility, and thermodynamic stability) indicates that this missense variant is not expected to disrupt ACAN protein function with a negative predictive value of 80%. In summary, the available evidence is currently insufficient to determine the role of this variant in disease. Therefore, it has been classified as a Variant of Uncertain Significance.

Revvity Omics, Revvity
Classification: Uncertain significance. Last evaluated: 2025-04-06. Review status: criteria provided, single submitter. Criteria: ACMG Guidelines, 2015. Collection method: clinical testing. Allele origin: germline.